The following is an entry in ClinVar:

ClinVar aggregate classification (germline): Uncertain significance. Review status: criteria provided, multiple submitters, no conflicts (2 of 4 stars). 2 submissions from 2 submitters: Uncertain significance (2). Last evaluated 2025-12-23.

Conditions:
Familial melanoma. Also called: Hereditary melanoma; Hereditary cutaneous melanoma. Identifiers: Orphanet 618, MedGen C1512419, MONDO:0018961.
Hereditary cancer-predisposing syndrome. Also called: Hereditary neoplastic syndrome; Neoplastic Syndromes, Hereditary; Tumor predisposition; Hereditary Cancer Syndrome. Identifiers: Orphanet 140162, MedGen C0027672, MeSH D009386, MONDO:0015356.

Allele frequency attached by ClinVar (database versions not stated): gnomAD exomes below 0.00001.
gnomAD v4.1: 2 of 1,613,528 alleles (0.00012%); highest among the groups gnomAD compares: Admixed American, 0.0017%; no homozygotes.

Submissions (2):

Labcorp Genetics (formerly Invitae), Labcorp
Classification: Uncertain significance for Familial melanoma. Last evaluated: 2025-12-23. Review status: criteria provided, single submitter. Criteria: Invitae Variant Classification Sherloc (09022015). Collection method: clinical testing. Allele origin: germline.
Comment: This sequence change replaces histidine, which is basic and polar, with arginine, which is basic and polar, at codon 296 of the CDK4 protein (p.His296Arg). This variant is not present in population databases (gnomAD no frequency). This variant has not been reported in the literature in individuals affected with CDK4-related conditions. ClinVar contains an entry for this variant (Variation ID: 186037). Invitae Evidence Modeling of protein sequence and biophysical properties (such as structural, functional, and spatial information, amino acid conservation, physicochemical variation, residue mobility, and thermodynamic stability) indicates that this missense variant is not expected to disrupt CDK4 protein function with a negative predictive value of 95%. In summary, the available evidence is currently insufficient to determine the role of this variant in disease. Therefore, it has been classified as a Variant of Uncertain Significance.

Ambry Genetics
Classification: Uncertain significance for Hereditary cancer-predisposing syndrome. Last evaluated: 2014-08-27. Review status: criteria provided, single submitter. Criteria: Ambry Variant Classification Scheme 2023. Collection method: clinical testing. Allele origin: germline.
Comment: The p.H296R variant (also known as c.887A>G), located in coding exon 7 of the CDK4 gene, results from an A to G substitution at nucleotide position 887. The histidine at codon 296 is replaced by arginine, an amino acid with highly similar properties. This variant was not reported in population based cohorts in the following databases: Database of Single Nucleotide Polymorphisms (dbSNP), NHLBI Exome Sequencing Project (ESP), and 1000 Genomes Project. In the ESP, this variant was not observed in 6503 samples (13006 alleles) with coverage at this position. This amino acid position is not well conserved in available vertebrate species. To date, this alteration has been detected with an allele frequency of approximately 0.04% (greater than 2500 alleles tested) in our clinical cohort. In addition, this alteration is predicted to be benign and tolerated by PolyPhen and SIFT in silico analyses, respectively. Since supporting evidence is limited at this time, the clinical significance of p.H296R remains unclear.

NM_000075.4(CDK4):c.887A>G (p.His296Arg)

Genes: TSPAN31 (tetraspanin 31; plus strand), CDK4 (cyclin dependent kinase 4; minus strand). Cytogenetic location: 12q14.1.
Variant type: single nucleotide variant.
Coding change: c.887A>G on transcript NM_000075.4 (MANE Select); coding-DNA position 887, A replaced by G.
Protein change: p.His296Arg; replaces histidine 296 with arginine.
Molecular consequence: missense variant. On other transcripts: 3 prime UTR variant (3).
Genome position (GRCh38, 1-based): chr12:57,748,550, T>C on the plus strand (A>G on the coding strand, the complement: CDK4 is on the minus strand). VCF-style: chr12-57748550-T-C. GRCh37 (hg19) VCF-style: chr12-58142333-T-C.
Other names: c.*1260T>C (NM_001330168.2, NM_001330169.2, NM_005981.5); short protein forms H296R.
Identifiers: ClinVar variation 186037 (VCV000186037.16), dbSNP rs786202648, ClinGen allele CA193683.